The following is an entry in ClinVar:

ClinVar aggregate classification (germline): Uncertain significance (1 of 4 stars; one submission).

Conditions:
Long QT syndrome 10 (LQT10). Identifiers: Orphanet 101016, Orphanet 768, MedGen C2678484, MONDO:0012737, OMIM 611819.

Submission:

Labcorp Genetics (formerly Invitae), Labcorp
Classification: Uncertain significance for Long QT syndrome 10. Last evaluated: 2024-04-29. Review status: criteria provided, single submitter. Criteria: Invitae Variant Classification Sherloc (09022015). Collection method: clinical testing. Allele origin: germline.
Comment: This sequence change replaces alanine, which is neutral and non-polar, with threonine, which is neutral and polar, at codon 43 of the SCN4B protein (p.Ala43Thr). This variant is not present in population databases (gnomAD no frequency). This variant has not been reported in the literature in individuals affected with SCN4B-related conditions. ClinVar contains an entry for this variant (Variation ID: 302649). An algorithm developed to predict the effect of missense changes on protein structure and function (PolyPhen-2) suggests that this variant is likely to be disruptive. In summary, the available evidence is currently insufficient to determine the role of this variant in disease. Therefore, it has been classified as a Variant of Uncertain Significance.

NM_174934.4(SCN4B):c.127G>A (p.Ala43Thr)

Gene: SCN4B (sodium voltage-gated channel beta subunit 4; minus strand). Cytogenetic location: 11q23.3.
Variant type: single nucleotide variant.
Coding change: c.127G>A on transcript NM_174934.4 (MANE Select); coding-DNA position 127, G replaced by A.
Protein change: p.Ala43Thr; replaces alanine 43 with threonine.
Molecular consequence: missense variant. On other transcripts: 5 prime UTR variant (1), non-coding transcript variant (1), intron variant (1).
Genome position (GRCh38, 1-based): chr11:118,145,164, C>T on the plus strand (G>A on the coding strand, the complement: SCN4B is on the minus strand). VCF-style: chr11-118145164-C-T. GRCh37 (hg19) VCF-style: chr11-118015879-C-T.
Other names: c.-204G>A (NM_001142349.2); c.62-3828G>A (NM_001142348.2); short protein forms A43T.
Identifiers: ClinVar variation 302649 (VCV000302649.12), dbSNP rs886047732, ClinGen allele CA10633558.
Genomic context (GRCh38, chr11:118,145,164, plus strand): 5'-CCTCGAAGCCAAAGCAGCTGGAGAAGGTGCAGGGCAGCAGGATCTCCGTGCCATTGACAG[C>T]GTAGATGTCGGTGGCCTTTCCCACAGACACCTCCAGCGACAGGGTTACGGGGAGCAGGAA-3'
Protein context (NP_777594.1, residues 33-53): VSVGKATDIY[Ala43Thr]VNGTEILLPC